The following is an entry in ClinVar:

NM_001844.5(COL2A1):c.430-7T>A

Gene: COL2A1 (collagen type II alpha 1 chain; minus strand). Cytogenetic location: 12q13.11.
Variant type: single nucleotide variant.
Coding change: c.430-7T>A on transcript NM_001844.5 (MANE Select); 7 bases into the intron before coding-DNA position 430, T replaced by A.
Molecular consequence: intron variant.
Genome position (GRCh38, 1-based): chr12:47,997,714, A>T on the plus strand (T>A on the coding strand, the complement: COL2A1 is on the minus strand). VCF-style: chr12-47997714-A-T. GRCh37 (hg19) VCF-style: chr12-48391497-A-T.
Other names: c.223-7T>A (NM_033150.3).
Identifiers: ClinVar variation 1465700 (VCV001465700.8), dbSNP rs2136626631, ClinGen allele CA2573148727.
Genomic context (GRCh38, chr12:47,997,714, plus strand): 5'-AGGATTTCCAGGGGTCCCAGGTTCTCCATCTCTGCCACGAGGTCCAGGGGCACCCTTGGC[A>T]TAAAGAGAAAAAGGCATCAATGGGAAGCAGTGTTTCTCCAAGAGCCATCTGTCCCTTGGC-3'

ClinVar aggregate classification (germline): Likely pathogenic (1 of 4 stars; one submission).

Submission:

Labcorp Genetics (formerly Invitae), Labcorp
Classification: Likely pathogenic. Last evaluated: 2021-09-02. Review status: criteria provided, single submitter. Criteria: Invitae Variant Classification Sherloc (09022015). Collection method: clinical testing. Allele origin: germline.
Comment: In summary, the currently available evidence indicates that the variant is pathogenic, but additional data are needed to prove that conclusively. Therefore, this variant has been classified as Likely Pathogenic. Algorithms developed to predict the effect of sequence changes on RNA splicing suggest that this variant may disrupt the consensus splice site. This variant has been observed in individual(s) with clinical features of Stickler syndrome (Invitae). It has also been observed to segregate with disease in related individuals. This variant is not present in population databases (ExAC no frequency). This sequence change falls in intron 6 of the COL2A1 gene. It does not directly change the encoded amino acid sequence of the COL2A1 protein.